The following is an entry in ClinVar:

ClinVar aggregate classification (germline): Uncertain significance (1 of 4 stars; one submission).

Conditions:
Pyruvate dehydrogenase E3 deficiency (DLDD). Also called: Dihydrolipoamide Dehydrogenase Deficiency; MAPLE SYRUP URINE DISEASE, TYPE III; Dihydrolipoamide Dehydrogenase E3 Deficiency; DLD DEFICIENCY; E3 DEFICIENCY; Lipoamide dehydrogenase deficiency. Identifiers: Orphanet 2394, Orphanet 765, MedGen C5574660, MONDO:0009529, OMIM 246900.

Allele frequency attached by ClinVar (database versions not stated): gnomAD exomes 0.00001; ExAC 0.00002; TOPMed 0.00003.
gnomAD v4.1: 10 of 1,614,130 alleles (0.00062%); highest among the groups gnomAD compares: Admixed American, 0.0033%; no homozygotes.

Submission:

Labcorp Genetics (formerly Invitae), Labcorp
Classification: Uncertain significance for Pyruvate dehydrogenase E3 deficiency. Last evaluated: 2022-07-11. Review status: criteria provided, single submitter. Criteria: Invitae Variant Classification Sherloc (09022015). Collection method: clinical testing. Allele origin: germline.
Comment: This sequence change replaces serine, which is neutral and polar, with phenylalanine, which is neutral and non-polar, at codon 10 of the DLD protein (p.Ser10Phe). This variant is present in population databases (rs757407115, gnomAD 0.003%). This variant has not been reported in the literature in individuals affected with DLD-related conditions. Algorithms developed to predict the effect of missense changes on protein structure and function are either unavailable or do not agree on the potential impact of this missense change (SIFT: "Deleterious"; PolyPhen-2: "Benign"; Align-GVGD: "Class C0"). In summary, the available evidence is currently insufficient to determine the role of this variant in disease. Therefore, it has been classified as a Variant of Uncertain Significance.

NM_000108.5(DLD):c.29C>T (p.Ser10Phe)

Gene: DLD (dihydrolipoamide dehydrogenase; plus strand). Cytogenetic location: 7q31.1.
Variant type: single nucleotide variant.
Coding change: c.29C>T on transcript NM_000108.5 (MANE Select); coding-DNA position 29, C replaced by T.
Protein change: p.Ser10Phe; replaces serine 10 with phenylalanine.
Molecular consequence: missense variant. On other transcripts: 5 prime UTR variant (1).
Genome position (GRCh38, 1-based): chr7:107,891,279, C>T. VCF-style: chr7-107891279-C-T. GRCh37 (hg19) VCF-style: chr7-107531724-C-T.
Other names: c.-120C>T (NM_001289750.1); c.29C>T, p.Ser10Phe (NM_001289751.1, NM_001289752.1); short protein forms S10F.
Identifiers: ClinVar variation 2149368 (VCV002149368.1), dbSNP rs757407115, ClinGen allele CA4434318.
Genomic context (GRCh38, chr7:107,891,279, plus strand): 5'-AGTATTGGCGGAAAGGAAAATACAGCGGAAAAATGCAGAGCTGGAGTCGTGTGTACTGCT[C>T]CTTGGCCAAGGTGAGGGCCGAGTAGGTGAGGTCGTGTTGAGCCAGAGGCACGGAAGGTCC-3'
Protein context (NP_000099.2, residues 1-20): MQSWSRVYC[Ser10Phe]LAKRGHFNRI